The following is an entry in ClinVar:

NM_182961.4(SYNE1):c.11999C>T (p.Ala4000Val)

Gene: SYNE1 (spectrin repeat containing nuclear envelope protein 1; minus strand). Cytogenetic location: 6q25.2.
Variant type: single nucleotide variant.
Coding change: c.11999C>T on transcript NM_182961.4 (MANE Select); coding-DNA position 11999, C replaced by T.
Protein change: p.Ala4000Val; replaces alanine 4000 with valine.
Molecular consequence: missense variant.
Genome position (GRCh38, 1-based): chr6:152,347,138, G>A on the plus strand (C>T on the coding strand, the complement: SYNE1 is on the minus strand). VCF-style: chr6-152347138-G-A. GRCh37 (hg19) VCF-style: chr6-152668273-G-A.
Other names: c.11786C>T, p.Ala3929Val (NM_033071.5); short protein forms A4000V, A3929V.
Identifiers: ClinVar variation 2043022 (VCV002043022.1), dbSNP rs375752705, ClinGen allele CA4056536.

ClinVar aggregate classification (germline): Uncertain significance (1 of 4 stars; one submission).

Conditions:
Emery-Dreifuss muscular dystrophy 4, autosomal dominant (EDMD4). Also called: EMERY-DREIFUSS MUSCULAR DYSTROPHY 4 WITH VARIABLE FEATURES. Identifiers: Orphanet 261, MedGen C2751807, MONDO:0013071, OMIM 612998.
Autosomal recessive ataxia, Beauce type. Also called: SYNE1 Deficiency; Spinocerebellar ataxia, autosomal recessive 8; ATAXIA, RECESSIVE, OF BEAUCE; SYNE1-Related Autosomal Recessive Cerebellar Ataxia. Identifiers: Orphanet 88644, MedGen C1853116, MONDO:0012549, OMIM 610743.

Submission:

Labcorp Genetics (formerly Invitae), Labcorp
Classification: Uncertain significance for Emery-Dreifuss muscular dystrophy 4, autosomal dominant; Autosomal recessive ataxia, Beauce type. Last evaluated: 2022-10-05. Review status: criteria provided, single submitter. Criteria: Invitae Variant Classification Sherloc (09022015). Collection method: clinical testing. Allele origin: germline.
Comment: This sequence change replaces alanine, which is neutral and non-polar, with valine, which is neutral and non-polar, at codon 3929 of the SYNE1 protein (p.Ala3929Val). This variant is present in population databases (rs375752705, gnomAD 0.01%). This variant has not been reported in the literature in individuals affected with SYNE1-related conditions. Algorithms developed to predict the effect of missense changes on protein structure and function output the following: SIFT: "Deleterious"; PolyPhen-2: "Benign"; Align-GVGD: "Class C55". The valine amino acid residue is found in multiple mammalian species, which suggests that this missense change does not adversely affect protein function. In summary, the available evidence is currently insufficient to determine the role of this variant in disease. Therefore, it has been classified as a Variant of Uncertain Significance.